The following is an entry in ClinVar:

ClinVar aggregate classification (germline): Likely benign. Review status: criteria provided, single submitter (1 of 4 stars). 2 submissions from 2 submitters: Likely benign (1). 1 of the submissions does not count toward it. Last evaluated 2026-01-17.

Conditions:
COL5A1-related disorder. Also called: COL5A1-related condition.
Ehlers-Danlos syndrome, classic type, 1 (EDSCL1). Also called: EDS I; EHLERS-DANLOS SYNDROME, GRAVIS TYPE; EHLERS-DANLOS SYNDROME, SEVERE CLASSIC TYPE; Ehlers-Danlos Syndrome, Classic Type, COL5A1-Related; Ehlers-Danlos syndrome, type 1. Identifiers: MedGen C0268335, MONDO:0019567, OMIM 130000.

Allele frequency attached by ClinVar (database versions not stated): gnomAD exomes 0.00001 and below 0.00001; ExAC 0.00001; TOPMed 0.00005; gnomAD 0.00008; ESP Exome Variant Server 0.00008.
gnomAD v4.1: 18 of 1,607,304 alleles (0.0011%); highest among the groups gnomAD compares: African/African-American, 0.023%; no homozygotes.

Submissions (2):

Labcorp Genetics (formerly Invitae), Labcorp
Classification: Likely benign for Ehlers-Danlos syndrome, classic type, 1. Last evaluated: 2026-01-17. Review status: criteria provided, single submitter. Criteria: Invitae Variant Classification Sherloc (09022015). Collection method: clinical testing. Allele origin: germline.

PreventionGenetics, part of Exact Sciences
Classification: Likely benign for COL5A1-related condition. Last evaluated: 2020-12-24. Review status: no assertion criteria provided. Collection method: clinical testing. Allele origin: germline. Not counted in ClinVar's aggregate classification.
Comment: This variant is classified as likely benign based on ACMG/AMP sequence variant interpretation guidelines (Richards et al. 2015 PMID: 25741868, with internal and published modifications).

NM_000093.5(COL5A1):c.5137-7C>T

Genes: COL5A1 (collagen type V alpha 1 chain; plus strand), LOC101448202 (uncharacterized LOC101448202; minus strand). Cytogenetic location: 9q34.3.
Variant type: single nucleotide variant.
Coding change: c.5137-7C>T on transcript NM_000093.5 (MANE Select); 7 bases into the intron before coding-DNA position 5137, C replaced by T.
Molecular consequence: intron variant.
Genome position (GRCh38, 1-based): chr9:134,834,964, C>T. VCF-style: chr9-134834964-C-T. GRCh37 (hg19) VCF-style: chr9-137726810-C-T.
Other names: c.5137-7C>T (NM_001278074.1).
Identifiers: ClinVar variation 701264 (VCV000701264.12), dbSNP rs376750863, ClinGen allele CA5320659.